The following is an entry in ClinVar:

ClinVar aggregate classification (germline): Uncertain significance (1 of 4 stars; one submission).

Conditions:
Cardiovascular phenotype. Identifiers: MedGen CN230736.

Allele frequency attached by ClinVar (database versions not stated): gnomAD exomes below 0.00001; TOPMed 0.00001; ExAC 0.00002.
gnomAD v4.1: 7 of 1,613,722 alleles (0.00043%); highest among the groups gnomAD compares: African/African-American, 0.0013%; no homozygotes.

Submission:

Ambry Genetics
Classification: Uncertain significance for Cardiovascular phenotype. Last evaluated: 2023-11-23. Review status: criteria provided, single submitter. Criteria: Ambry Variant Classification Scheme 2023. Collection method: clinical testing. Allele origin: germline.
Comment: The p.M389T variant (also known as c.1166T>C), located in coding exon 11 of the MYH6 gene, results from a T to C substitution at nucleotide position 1166. The methionine at codon 389 is replaced by threonine, an amino acid with similar properties. This amino acid position is conserved. In addition, this alteration is predicted to be deleterious by in silico analysis. Since supporting evidence is limited at this time, the clinical significance of this alteration remains unclear.

NM_002471.4(MYH6):c.1166T>C (p.Met389Thr)

Gene: MYH6 (myosin heavy chain 6; minus strand). Cytogenetic location: 14q11.2.
Variant type: single nucleotide variant.
Coding change: c.1166T>C on transcript NM_002471.4 (MANE Select); coding-DNA position 1166, T replaced by C.
Protein change: p.Met389Thr; replaces methionine 389 with threonine.
Molecular consequence: missense variant.
Genome position (GRCh38, 1-based): chr14:23,400,953, A>G on the plus strand (T>C on the coding strand, the complement: MYH6 is on the minus strand). VCF-style: chr14-23400953-A-G. GRCh37 (hg19) VCF-style: chr14-23870162-A-G.
Other names: short protein forms M389T.
Identifiers: ClinVar variation 3222319 (VCV003222319.1), dbSNP rs751143031, ClinGen allele CA7115860.